The following is an entry in ClinVar:

NM_000052.7(ATP7A):c.2467G>C (p.Val823Leu)

Gene: ATP7A (ATPase copper transporting alpha; plus strand). Cytogenetic location: Xq21.1.
Variant type: single nucleotide variant.
Coding change: c.2467G>C on transcript NM_000052.7 (MANE Select); coding-DNA position 2467, G replaced by C.
Protein change: p.Val823Leu; replaces valine 823 with leucine.
Molecular consequence: missense variant.
Genome position (GRCh38, 1-based): chrX:78,014,722, G>C. VCF-style: chrX-78014722-G-C. GRCh37 (hg19) VCF-style: chrX-77270219-G-C.
Other names: c.2233G>C, p.Val745Leu (NM_001282224.2); short protein forms V745L, V823L.
Identifiers: ClinVar variation 3753806 (VCV003753806.2).

ClinVar aggregate classification (germline): Uncertain significance (1 of 4 stars; one submission).

Conditions:
Menkes kinky-hair syndrome (MNK). Also called: Copper transport disease; Menkes Disease; Classic Menkes Disease. Identifiers: Orphanet 565, MedGen C0022716, MONDO:0010651, OMIM 309400.
X-linked distal spinal muscular atrophy type 3. Also called: ATP7A-Related Distal Motor Neuropathy; SPINAL MUSCULAR ATROPHY, DISTAL, X-LINKED RECESSIVE; NEURONOPATHY, DISTAL HEREDITARY MOTOR, X-LINKED; NEUROPATHY, DISTAL HEREDITARY MOTOR, X-LINKED. Identifiers: Orphanet 139557, MedGen C1845359, MONDO:0010338, OMIM 300489.
Cutis laxa, X-linked (OHS). Also called: EDS IX; Occipital horn syndrome. Identifiers: Orphanet 198, MedGen C0268353, MONDO:0010572, OMIM 304150.

gnomAD v4.1: 1 of 1,205,021 alleles (0.000083%); highest among the groups gnomAD compares: Non-Finnish European, 0.00011%; no homozygotes.

Submission:

Labcorp Genetics (formerly Invitae), Labcorp
Classification: Uncertain significance for X-linked distal spinal muscular atrophy type 3; Cutis laxa, X-linked; Menkes kinky-hair syndrome. Last evaluated: 2024-09-17. Review status: criteria provided, single submitter. Criteria: Invitae Variant Classification Sherloc (09022015). Collection method: clinical testing. Allele origin: germline.
Comment: This sequence change replaces valine, which is neutral and non-polar, with leucine, which is neutral and non-polar, at codon 823 of the ATP7A protein (p.Val823Leu). This variant is not present in population databases (gnomAD no frequency). This variant has not been reported in the literature in individuals affected with ATP7A-related conditions. Invitae Evidence Modeling of protein sequence and biophysical properties (such as structural, functional, and spatial information, amino acid conservation, physicochemical variation, residue mobility, and thermodynamic stability) indicates that this missense variant is not expected to disrupt ATP7A protein function with a negative predictive value of 95%. In summary, the available evidence is currently insufficient to determine the role of this variant in disease. Therefore, it has been classified as a Variant of Uncertain Significance.